The following is an entry in ClinVar:

NM_024426.6(WT1):c.104A>G (p.Gln35Arg)

Genes: WT1 (WT1 transcription factor; minus strand), LOC107982234 (WT1/WT1-AS bi-directional promoter region; plus strand). Cytogenetic location: 11p13.
Variant type: single nucleotide variant.
Coding change: c.104A>G on transcript NM_024426.6 (MANE Select); coding-DNA position 104, A replaced by G.
Protein change: p.Gln35Arg; replaces glutamine 35 with arginine.
Molecular consequence: missense variant. On other transcripts: 5 prime UTR variant (4), non-coding transcript variant (2).
Genome position (GRCh38, 1-based): chr11:32,435,257, T>C on the plus strand (A>G on the coding strand, the complement: WT1 is on the minus strand). VCF-style: chr11-32435257-T-C. GRCh37 (hg19) VCF-style: chr11-32456803-T-C.
Other names: c.104A>G, p.Gln35Arg (NM_000378.6, NM_001407044.1, NM_001407045.1 and 6 more transcripts); c.-116A>G (NM_001429031.1, NM_001429032.1, NM_001429033.1 and 1 more transcripts); short protein forms Q30R, Q35R.
Identifiers: ClinVar variation 4202225 (VCV004202225.1).

ClinVar aggregate classification (germline): Uncertain significance (1 of 4 stars; one submission).

Conditions:
Inborn genetic diseases. Identifiers: MedGen C0950123, MeSH D030342.

gnomAD v4.1: 2 of 1,535,410 alleles (0.00013%); highest among the groups gnomAD compares: Non-Finnish European, 0.00017%; no homozygotes.

Submission:

Ambry Genetics
Classification: Uncertain significance for Inborn genetic diseases. Last evaluated: 2025-07-20. Review status: criteria provided, single submitter. Criteria: Ambry Variant Classification Scheme 2023. Collection method: clinical testing. Allele origin: germline.
Comment: The p.Q30R variant (also known as c.89A>G), located in coding exon 1 of the WT1 gene, results from an A to G substitution at nucleotide position 89. The glutamine at codon 30 is replaced by arginine, an amino acid with highly similar properties. This amino acid position is conserved. In addition, this alteration is predicted to be tolerated by in silico analysis. Based on the available evidence, the clinical significance of this variant remains unclear.